The following is an entry in ClinVar:

NM_004360.5(CDH1):c.1660G>A (p.Glu554Lys)

Gene: CDH1 (cadherin 1; plus strand). Cytogenetic location: 16q22.1.
Variant type: single nucleotide variant.
Coding change: c.1660G>A on transcript NM_004360.5 (MANE Select); coding-DNA position 1660, G replaced by A.
Protein change: p.Glu554Lys; replaces glutamic acid 554 with lysine.
Molecular consequence: missense variant. On other transcripts: intron variant (1).
Genome position (GRCh38, 1-based): chr16:68,819,374, G>A. VCF-style: chr16-68819374-G-A. GRCh37 (hg19) VCF-style: chr16-68853277-G-A.
Other names: c.1477G>A, p.Glu493Lys (NM_001317184.2); c.112G>A, p.Glu38Lys (NM_001317185.2); c.-254-2627G>A (NM_001317186.2); short protein forms E554K, E38K, E493K.
Identifiers: ClinVar variation 491507 (VCV000491507.9), dbSNP rs566103420, ClinGen allele CA396465255.
Genomic context (GRCh38, chr16:68,819,374, plus strand): 5'-GAGATTAATCCGGACACTGGTGCCATTTCCACTCGGGCTGAGCTGGACAGGGAGGATTTT[G>A]AGCACGTGAAGAACAGCACGTACACAGCCCTAATCATAGCTACAGACAATGGTAAGGGGG-3'
Protein context (NP_004351.1, residues 544-564): TRAELDREDF[Glu554Lys]HVKNSTYTAL

ClinVar aggregate classification (germline): Conflicting classifications of pathogenicity. Review status: criteria provided, conflicting classifications (1 of 4 stars). 2 submissions from 2 submitters: Uncertain significance (1); Likely benign (1). Last evaluated 2026-07-01.

Conditions:
Hereditary cancer-predisposing syndrome. Also called: Hereditary Cancer Syndrome; Tumor predisposition; Hereditary neoplastic syndrome; Neoplastic Syndromes, Hereditary. Identifiers: Orphanet 140162, MedGen C0027672, MeSH D009386, MONDO:0015356.

Submissions (2):

Ambry Genetics
Classification: Likely benign for Hereditary cancer-predisposing syndrome. Last evaluated: 2026-07-01. Review status: criteria provided, single submitter. Criteria: Ambry Variant Classification Scheme 2023. Collection method: clinical testing. Allele origin: germline.

Color Diagnostics, LLC DBA Color Health
Classification: Uncertain significance for Hereditary cancer-predisposing syndrome. Last evaluated: 2023-12-05. Review status: criteria provided, single submitter. Criteria: ACMG Guidelines, 2015. Collection method: clinical testing. Allele origin: germline.
Comment: This missense variant replaces glutamic acid with lysine at codon 554 of the CDH1 protein. To our knowledge, functional studies have not been reported for this variant. This variant has not been reported in individuals affected with CDH1-related disorders in the literature. This variant has not been identified in the general population by the Genome Aggregation Database (gnomAD). The available evidence is insufficient to determine the role of this variant in disease conclusively. Therefore, this variant is classified as a Variant of Uncertain Significance.